The following is an entry in ClinVar:

ClinVar aggregate classification (germline): Likely benign. Review status: criteria provided, single submitter (1 of 4 stars). 2 submissions from 2 submitters: Likely benign (1). 1 of the submissions does not count toward it. Last evaluated 2022-04-07.

Conditions:
PCDH15-related disorder. Also called: PCDH15-related disorders; PCDH15-related condition.

Submissions (2):

Blueprint Genetics
Classification: Likely benign. Last evaluated: 2022-04-07. Review status: criteria provided, single submitter. Criteria: ACMG Guidelines, 2015. Collection method: clinical testing. Allele origin: germline.

PreventionGenetics, part of Exact Sciences
Classification: Likely benign for PCDH15-related condition. Last evaluated: 2019-07-11. Review status: no assertion criteria provided. Collection method: clinical testing. Allele origin: germline. Not counted in ClinVar's aggregate classification.
Comment: This variant is classified as likely benign based on ACMG/AMP sequence variant interpretation guidelines (Richards et al. 2015 PMID: 25741868, with internal and published modifications).

NM_001384140.1(PCDH15):c.594+10T>G

Gene: PCDH15 (protocadherin related 15; minus strand). Cytogenetic location: 10q21.1.
Variant type: single nucleotide variant.
Coding change: c.594+10T>G on transcript NM_001384140.1 (MANE Select); 10 bases into the intron after coding-DNA position 594, T replaced by G.
Molecular consequence: intron variant.
Genome position (GRCh38, 1-based): chr10:54,346,355, A>C on the plus strand (T>G on the coding strand, the complement: PCDH15 is on the minus strand). VCF-style: chr10-54346355-A-C. GRCh37 (hg19) VCF-style: chr10-56106115-A-C.
Other names: c.594+10T>G (NM_001354420.2, NM_001354429.2, NM_001142772.2 and 8 more transcripts); c.609+10T>G (NM_001142771.2, NM_001142769.3, NM_001142763.2); c.528+10T>G (NM_001354404.2, NM_001142773.2, NM_001142768.2).
Identifiers: ClinVar variation 3049915 (VCV003049915.3), dbSNP rs2547716491, ClinGen allele CA2574550699.